The following is an entry in ClinVar:

ClinVar aggregate classification (germline): Uncertain significance. Review status: criteria provided, multiple submitters, no conflicts (2 of 4 stars). 2 submissions from 2 submitters: Uncertain significance (2). Last evaluated 2025-11-21.

Allele frequency attached by ClinVar (database versions not stated): gnomAD exomes 0.00001.
gnomAD v4.1: 5 of 1,612,314 alleles (0.00031%); highest among the groups gnomAD compares: Non-Finnish European, 0.00042%; no homozygotes.

Submissions (2):

Ambry Genetics
Classification: Uncertain significance. Last evaluated: 2025-11-21. Review status: criteria provided, single submitter. Criteria: Ambry Variant Classification Scheme 2023. Collection method: clinical testing. Allele origin: germline.

Labcorp Genetics (formerly Invitae), Labcorp
Classification: Uncertain significance. Last evaluated: 2024-01-24. Review status: criteria provided, single submitter. Criteria: Invitae Variant Classification Sherloc (09022015). Collection method: clinical testing. Allele origin: germline.
Comment: This sequence change replaces isoleucine, which is neutral and non-polar, with valine, which is neutral and non-polar, at codon 633 of the SUCO protein (p.Ile633Val). This variant is not present in population databases (gnomAD no frequency). This variant has not been reported in the literature in individuals affected with SUCO-related conditions. ClinVar contains an entry for this variant (Variation ID: 2053713). Algorithms developed to predict the effect of missense changes on protein structure and function output the following: SIFT: "Not Available"; PolyPhen-2: "Benign"; Align-GVGD: "Not Available". The valine amino acid residue is found in multiple mammalian species, which suggests that this missense change does not adversely affect protein function. In summary, the available evidence is currently insufficient to determine the role of this variant in disease. Therefore, it has been classified as a Variant of Uncertain Significance.

NM_014283.5(SUCO):c.1897A>G (p.Ile633Val)

Gene: SUCO (SUN domain containing ossification factor; plus strand). Cytogenetic location: 1q24.3.
Variant type: single nucleotide variant.
Coding change: c.1897A>G on transcript NM_014283.5 (MANE Select); coding-DNA position 1897, A replaced by G.
Protein change: p.Ile633Val; replaces isoleucine 633 with valine.
Molecular consequence: missense variant. On other transcripts: intron variant (1).
Genome position (GRCh38, 1-based): chr1:172,588,998, A>G. VCF-style: chr1-172588998-A-G. GRCh37 (hg19) VCF-style: chr1-172558138-A-G.
Other names: c.208A>G, p.Ile70Val (NM_001282751.2); c.2350A>G, p.Ile784Val (NM_016227.4); c.1712+74A>G (NM_001282750.2); c.1897A>G (NM_014283.3); short protein forms I633V, I784V, I70V.
Identifiers: ClinVar variation 2053713 (VCV002053713.5), dbSNP rs1558203324, ClinGen allele CA343741385.